The following is an entry in ClinVar:

ClinVar aggregate classification (germline): Uncertain significance (1 of 4 stars; one submission).

Conditions:
Hereditary cancer-predisposing syndrome. Also called: Tumor predisposition; Hereditary Cancer Syndrome; Hereditary neoplastic syndrome; Neoplastic Syndromes, Hereditary. Identifiers: Orphanet 140162, MedGen C0027672, MeSH D009386, MONDO:0015356.

Submission:

Ambry Genetics
Classification: Uncertain significance for Hereditary cancer-predisposing syndrome. Last evaluated: 2024-05-08. Review status: criteria provided, single submitter. Criteria: Ambry Variant Classification Scheme 2023. Collection method: clinical testing. Allele origin: germline.
Comment: The p.V175M variant (also known as c.523G>A), located in coding exon 4 of the FH gene, results from a G to A substitution at nucleotide position 523. The valine at codon 175 is replaced by methionine, an amino acid with highly similar properties. This amino acid position is highly conserved in available vertebrate species. In addition, this alteration is predicted to be deleterious by in silico analysis. Based on the available evidence, the clinical significance of this variant remains unclear.

NM_000143.4(FH):c.523G>A (p.Val175Met)

Gene: FH (fumarate hydratase; minus strand). Cytogenetic location: 1q43.
Variant type: single nucleotide variant.
Coding change: c.523G>A on transcript NM_000143.4 (MANE Select); coding-DNA position 523, G replaced by A.
Protein change: p.Val175Met; replaces valine 175 with methionine.
Molecular consequence: missense variant.
Genome position (GRCh38, 1-based): chr1:241,511,999, C>T on the plus strand (G>A on the coding strand, the complement: FH is on the minus strand). VCF-style: chr1-241511999-C-T. GRCh37 (hg19) VCF-style: chr1-241675299-C-T.
Other names: short protein forms V175M.
Identifiers: ClinVar variation 3278738 (VCV003278738.1).